The following is an entry in ClinVar:

ClinVar aggregate classification (germline): Likely pathogenic (1 of 4 stars; one submission).

Conditions:
TTN-related disorder. Also called: TTN-related condition; TTN-related disease; TTN-related disorders.

Submission:

Laboratorio de Genetica e Diagnostico Molecular, Hospital Israelita Albert Einstein
Classification: Likely pathogenic for TTN-related disease. Last evaluated: 2021-11-16. Review status: criteria provided, single submitter. Criteria: ACMG Guidelines, 2015. Collection method: clinical testing. Allele origin: germline.
Comment: ACMG classification criteria: PVS1, PM2

NM_001267550.2(TTN):c.65802_65803del (p.Thr21935fs)

Genes: TTN (titin; minus strand), TTN-AS1 (TTN antisense RNA 1; plus strand). Cytogenetic location: 2q31.2.
Variant type: Microsatellite.
Coding change: c.65802_65803del on transcript NM_001267550.2 (MANE Select); coding-DNA positions 65802 to 65803, 2 bases deleted (TA; older notation c.65802_65803delTA).
Protein change: p.Thr21935fs; shifts the reading frame from threonine 21935.
Molecular consequence: frameshift variant. On other transcripts: non-coding transcript variant (1).
Genome position (GRCh38, 1-based): chr2:178,583,000-178,583,001, TA deleted on the plus strand (TA on the coding strand, the reverse complement: TTN is on the minus strand); deleting any 2 consecutive bases within chr2:178,583,000-178,583,003 gives the same sequence; the c. name uses the placement nearest the transcript's 3' end. VCF-style (leftmost placement, unchanged base first): chr2-178582999-GTA-G. GRCh37 (hg19) VCF-style: chr2-179447726-GTA-G.
Other names: c.60879_60880del, p.Thr20294fs (NM_001256850.1); c.38607_38608del, p.Thr12870fs (NM_003319.4); c.58098_58099del, p.Thr19367fs (NM_133378.4); c.38982_38983del, p.Thr12995fs (NM_133432.3); c.39183_39184del, p.Thr13062fs (NM_133437.4); short protein forms T12870fs, T12995fs, T13062fs, T19367fs, T20294fs, T21935fs.
Identifiers: ClinVar variation 2672297 (VCV002672297.1), dbSNP rs2154178644, ClinGen allele CA2580614478.